The following is an entry in ClinVar:

NM_002184.4(IL6ST):c.1925A>G (p.Asn642Ser)

Gene: IL6ST (interleukin 6 cytokine family signal transducer; minus strand). Cytogenetic location: 5q11.2.
Variant type: single nucleotide variant.
Coding change: c.1925A>G on transcript NM_002184.4 (MANE Select); coding-DNA position 1925, A replaced by G.
Protein change: p.Asn642Ser; replaces asparagine 642 with serine.
Molecular consequence: missense variant. On other transcripts: 3 prime UTR variant (1), non-coding transcript variant (2).
Genome position (GRCh38, 1-based): chr5:55,947,505, T>C on the plus strand (A>G on the coding strand, the complement: IL6ST is on the minus strand). VCF-style: chr5-55947505-T-C. GRCh37 (hg19) VCF-style: chr5-55243333-T-C.
Other names: c.1742A>G, p.Asn581Ser (NM_001190981.2); c.1823A>G, p.Asn608Ser (NM_001364275.2); c.1715A>G, p.Asn572Ser (NM_001364276.2); c.1058A>G, p.Asn353Ser (NM_001364277.2); c.1022A>G, p.Asn341Ser (NM_001364278.2); c.929A>G, p.Asn310Ser (NM_001364279.2); c.*852A>G (NM_175767.3); c.1925A>G (NM_002184.3); short protein forms N310S, N608S, N353S, N581S, N341S, N572S, N642S.
Identifiers: ClinVar variation 1381681 (VCV001381681.7), dbSNP rs1242319292, ClinGen allele CA359782280.

ClinVar aggregate classification (germline): Uncertain significance. Review status: criteria provided, multiple submitters, no conflicts (2 of 4 stars). 2 submissions from 2 submitters: Uncertain significance (2). Last evaluated 2024-07-29.

Allele frequency attached by ClinVar (database versions not stated): gnomAD exomes below 0.00001; TOPMed below 0.00001; gnomAD 0.00001.
gnomAD v4.1: 5 of 1,573,958 alleles (0.00032%); highest among the groups gnomAD compares: Non-Finnish European, 0.00043%; no homozygotes.

Submissions (2):

Labcorp Genetics (formerly Invitae), Labcorp
Classification: Uncertain significance. Last evaluated: 2024-07-29. Review status: criteria provided, single submitter. Criteria: Invitae Variant Classification Sherloc (09022015). Collection method: clinical testing. Allele origin: germline.
Comment: This sequence change replaces asparagine, which is neutral and polar, with serine, which is neutral and polar, at codon 642 of the IL6ST protein (p.Asn642Ser). The frequency data for this variant in the population databases is considered unreliable, as metrics indicate poor data quality at this position in the gnomAD database. This variant has not been reported in the literature in individuals affected with IL6ST-related conditions. ClinVar contains an entry for this variant (Variation ID: 1381681). An algorithm developed to predict the effect of missense changes on protein structure and function (PolyPhen-2) suggests that this variant is likely to be tolerated. In summary, the available evidence is currently insufficient to determine the role of this variant in disease. Therefore, it has been classified as a Variant of Uncertain Significance.

Ambry Genetics
Classification: Uncertain significance. Last evaluated: 2024-01-24. Review status: criteria provided, single submitter. Criteria: Ambry Variant Classification Scheme 2023. Collection method: clinical testing. Allele origin: germline.